The following is an entry in ClinVar:

ClinVar aggregate classification (germline): Uncertain significance. Review status: criteria provided, multiple submitters, no conflicts (2 of 4 stars). 3 submissions from 3 submitters: Uncertain significance (3). Last evaluated 2024-05-06.

Conditions:
Hereditary cancer-predisposing syndrome. Also called: Hereditary neoplastic syndrome; Neoplastic Syndromes, Hereditary; Tumor predisposition; Hereditary Cancer Syndrome. Identifiers: Orphanet 140162, MedGen C0027672, MeSH D009386, MONDO:0015356.
Nijmegen breakage syndrome-like disorder (NBSLD). Also called: MICROCEPHALY AND SPONTANEOUS CHROMOSOME INSTABILITY WITHOUT IMMUNODEFICIENCY; NBS-LIKE DISORDER; RAD50 DEFICIENCY. Identifiers: Orphanet 240760, MedGen C2751318, MONDO:0013118, OMIM 613078.

Allele frequency attached by ClinVar (database versions not stated): TOPMed below 0.00001.
gnomAD v4.1: 2 of 1,613,764 alleles (0.00012%); highest among the groups gnomAD compares: Non-Finnish European, 0.00017%; no homozygotes.

Submissions (3):

Ambry Genetics
Classification: Uncertain significance for Hereditary cancer-predisposing syndrome. Last evaluated: 2024-05-06. Review status: criteria provided, single submitter. Criteria: Ambry Variant Classification Scheme 2023. Collection method: clinical testing. Allele origin: germline.
Comment: The p.L378I variant (also known as c.1132C>A), located in coding exon 8 of the RAD50 gene, results from a C to A substitution at nucleotide position 1132. The leucine at codon 378 is replaced by isoleucine, an amino acid with highly similar properties. This amino acid position is highly conserved in available vertebrate species. In addition, this alteration is predicted to be possibly damaging and tolerated by PolyPhen and SIFT in silico analyses, respectively. Since supporting evidence is limited at this time, the clinical significance of this alteration remains unclear.

Sema4
Classification: Uncertain significance for Nijmegen breakage syndrome-like disorder. Last evaluated: 2021-12-22. Review status: criteria provided, single submitter. Criteria: Sema4 Curation Guidelines. Collection method: curation. Allele origin: germline.
Comment: The RAD50 c.1132C>A (p.L378I) variant has not been reported in the literature to our knowledge. It has been reported in 1 case and not in controls in a large dataset of 60,466 women with breast cancer and 53,461controls(PMID: 33471991). It was not observed in the large and broad cohorts of the Genome Aggregation Database (PMID: 32461654). This variant has been reported in ClinVar (Variation ID 185855). Functional studies have not been performed, and in silico predictions of the variant's effect on protein function are inconclusive. The evidence is insufficient to meet ACMG/AMP criteria for classifying the variant as benign or pathogenic. Thus, the clinical significance of this variant is currently uncertain.

Labcorp Genetics (formerly Invitae), Labcorp
Classification: Uncertain significance for Hereditary cancer-predisposing syndrome. Last evaluated: 2021-12-11. Review status: criteria provided, single submitter. Criteria: Invitae Variant Classification Sherloc (09022015). Collection method: clinical testing. Allele origin: germline.
Comment: In summary, the available evidence is currently insufficient to determine the role of this variant in disease. Therefore, it has been classified as a Variant of Uncertain Significance. Algorithms developed to predict the effect of missense changes on protein structure and function are either unavailable or do not agree on the potential impact of this missense change (SIFT: "Tolerated"; PolyPhen-2: "Possibly Damaging"; Align-GVGD: "Class C0"). ClinVar contains an entry for this variant (Variation ID: 185855). This variant has not been reported in the literature in individuals affected with RAD50-related conditions. This variant is not present in population databases (gnomAD no frequency). This sequence change replaces leucine, which is neutral and non-polar, with isoleucine, which is neutral and non-polar, at codon 378 of the RAD50 protein (p.Leu378Ile).

Literature cited by the submitters: PubMed 33471991 (cited by Sema4).

NM_005732.4(RAD50):c.1132C>A (p.Leu378Ile)

Gene: RAD50 (RAD50 double strand break repair protein; plus strand). Cytogenetic location: 5q31.1.
Variant type: single nucleotide variant.
Coding change: c.1132C>A on transcript NM_005732.4 (MANE Select); coding-DNA position 1132, C replaced by A.
Protein change: p.Leu378Ile; replaces leucine 378 with isoleucine.
Molecular consequence: missense variant.
Genome position (GRCh38, 1-based): chr5:132,588,767, C>A. VCF-style: chr5-132588767-C-A. GRCh37 (hg19) VCF-style: chr5-131924459-C-A.
Other names: short protein forms L378I.
Identifiers: ClinVar variation 185855 (VCV000185855.14), dbSNP rs786202509, ClinGen allele CA193170.
Genomic context (GRCh38, chr5:132,588,767, plus strand): 5'-GATCGCCATCAAGAACATATCCGAGCTAGAGATTCATTAATTCAGTCTTTGGCAACACAG[C>A]TAGAATTGGATGGCTTTGAGCGTGGACCATTCAGTGAAAGACAGATTAAAAATTTTCACA-3'
Protein context (NP_005723.2, residues 368-388): DSLIQSLATQ[Leu378Ile]ELDGFERGPF